The following is an entry in ClinVar:

NM_001163435.3(TBCK):c.1725C>T (p.Pro575=)

Gene: TBCK (TBC1 domain containing kinase; minus strand). Cytogenetic location: 4q24.
Variant type: single nucleotide variant.
Coding change: c.1725C>T on transcript NM_001163435.3 (MANE Select); coding-DNA position 1725, C replaced by T.
Protein change: p.Pro575=; no amino-acid change (proline 575 retained).
Molecular consequence: synonymous variant.
Genome position (GRCh38, 1-based): chr4:106,230,412, G>A on the plus strand (C>T on the coding strand, the complement: TBCK is on the minus strand). VCF-style: chr4-106230412-G-A. GRCh37 (hg19) VCF-style: chr4-107151569-G-A.
Other names: c.1725C>T, p.Pro575= (NM_001163436.4); c.1608C>T, p.Pro536= (NM_001163437.3); c.1209C>T, p.Pro403= (NM_001290768.2); c.1536C>T, p.Pro512= (NM_033115.5).
Identifiers: ClinVar variation 745102 (VCV000745102.9), dbSNP rs778594206, ClinGen allele CA3034958.

ClinVar aggregate classification (germline): Likely benign. Review status: criteria provided, single submitter (1 of 4 stars). 2 submissions from 2 submitters: Likely benign (1). 1 of the submissions does not count toward it. Last evaluated 2025-04-01.

Conditions:
TBCK-related disorder. Also called: TBCK-related condition; TBCK-related disorders.

Allele frequency attached by ClinVar (database versions not stated): gnomAD exomes below 0.00001 and 0.00001; TOPMed below 0.00001; ExAC 0.00001.
gnomAD v4.1: 3 of 1,602,960 alleles (0.00019%); highest among the groups gnomAD compares: Admixed American, 0.005%; no homozygotes.

Submissions (2):

Labcorp Genetics (formerly Invitae), Labcorp
Classification: Likely benign. Last evaluated: 2025-04-01. Review status: criteria provided, single submitter. Criteria: Invitae Variant Classification Sherloc (09022015). Collection method: clinical testing. Allele origin: germline.

PreventionGenetics, part of Exact Sciences
Classification: Likely benign for TBCK-related condition. Last evaluated: 2022-03-08. Review status: no assertion criteria provided. Collection method: clinical testing. Allele origin: germline. Not counted in ClinVar's aggregate classification.
Comment: This variant is classified as likely benign based on ACMG/AMP sequence variant interpretation guidelines (Richards et al. 2015 PMID: 25741868, with internal and published modifications).